The following is an entry in ClinVar:

ClinVar aggregate classification (germline): Pathogenic. Review status: reviewed by expert panel (3 of 4 stars). 5 submissions from 5 submitters: Pathogenic (1). 4 of the submissions do not count toward it. Last evaluated 2017-12-15.

Conditions:
Breast-ovarian cancer, familial, susceptibility to, 2 (BROVCA2). Also called: BRCA2 Hereditary Breast and Ovarian Cancer. Identifiers: Orphanet 145, MedGen C2675520, MONDO:0012933, OMIM 612555. Disease mechanism: loss of function.
Hereditary cancer-predisposing syndrome. Also called: Hereditary Cancer Syndrome; Hereditary neoplastic syndrome; Tumor predisposition; Neoplastic Syndromes, Hereditary. Identifiers: Orphanet 140162, MedGen C0027672, MeSH D009386, MONDO:0015356.
Hereditary breast ovarian cancer syndrome. Also called: Hereditary breast and ovarian cancer syndrome; BRCA1- and BRCA2-Associated Hereditary Breast and Ovarian Cancer; Hereditary breast and ovarian cancer syndrome (HBOC); Hereditary breast and/or ovarian cancer syndrome; Hereditary breast and ovarian cancer; Breast and ovarian cancer. Identifiers: Orphanet 145, MedGen C0677776, MeSH D061325, MONDO:0003582. Disease mechanism: loss of function.

Submissions (5):

Evidence-based Network for the Interpretation of Germline Mutant Alleles (ENIGMA)
Classification: Pathogenic for Breast-ovarian cancer, familial, susceptibility to, 2. Last evaluated: 2017-12-15. Review status: reviewed by expert panel. Criteria: ENIGMA BRCA1/2 Classification Criteria (2017-06-29). Collection method: curation. Allele origin: germline. Study: ENIGMA.
Comment: Variant allele predicted to encode a truncated non-functional protein.

Labcorp Genetics (formerly Invitae), Labcorp
Classification: Pathogenic for Hereditary breast ovarian cancer syndrome. Last evaluated: 2022-09-11. Review status: criteria provided, single submitter. Criteria: Invitae Variant Classification Sherloc (09022015). Collection method: clinical testing. Allele origin: germline. Not counted in ClinVar's aggregate classification.
Comment: This sequence change creates a premature translational stop signal (p.Leu1368Tyrfs*6) in the BRCA2 gene. It is expected to result in an absent or disrupted protein product. Loss-of-function variants in BRCA2 are known to be pathogenic (PMID: 20104584). This variant is not present in population databases (gnomAD no frequency). This variant has not been reported in the literature in individuals affected with BRCA2-related conditions. ClinVar contains an entry for this variant (Variation ID: 440456). For these reasons, this variant has been classified as Pathogenic.

GeneDx
Classification: Pathogenic. Last evaluated: 2022-01-14. Review status: criteria provided, single submitter. Criteria: GeneDx Variant Classification Process June 2021. Collection method: clinical testing. Allele origin: germline. Affected: yes. Not counted in ClinVar's aggregate classification.
Comment: Frameshift variant predicted to result in protein truncation or nonsense mediated decay in a gene for which loss-of-function is a known mechanism of disease; Observed in an individual undergoing whole exome sequencing (Manickam 2013); Truncating variants in this gene are considered pathogenic by a well-established clinical consortium and/or database; Not observed at significant frequency in large population cohorts (gnomAD); Also known as 4331delT; This variant is associated with the following publications: (PMID: 30646163)

Ambry Genetics
Classification: Pathogenic for Hereditary cancer-predisposing syndrome. Last evaluated: 2021-08-24. Review status: criteria provided, single submitter. Criteria: Ambry Variant Classification Scheme 2023. Collection method: clinical testing. Allele origin: germline. Not counted in ClinVar's aggregate classification.
Comment: The c.4103delT pathogenic mutation, located in coding exon 10 of the BRCA2 gene, results from a deletion of one nucleotide at nucleotide position 4103, causing a translational frameshift with a predicted alternate stop codon (p.L1368Yfs*6). This alteration was reported in 1/50726 patient from an unselected population cohort from a single health system who underwent exome sequencing (Manickam K et al. JAMA Netw Open, 2018 09;1:e182140). This variant is considered to be rare based on population cohorts in the Genome Aggregation Database (gnomAD). In addition to the clinical data presented in the literature, this alteration is expected to result in loss of function by premature protein truncation or nonsense-mediated mRNA decay. As such, this alteration is interpreted as a disease-causing mutation.

Laboratory for Molecular Medicine, Mass General Brigham Personalized Medicine
Classification: Pathogenic for Hereditary breast ovarian cancer syndrome. Last evaluated: 2016-12-23. Review status: criteria provided, single submitter. Criteria: LMM Criteria. Collection method: clinical testing. Allele origin: germline. Inheritance: Autosomal dominant inheritance. Observed: 1 variant allele. Not counted in ClinVar's aggregate classification.
Comment: The p.Leu1368fs variant in BRCA2 has not been previously reported in individuals with hereditary breast or ovarian cancer (HBOC) and was absent from large popul ation studies. This variant is predicted to cause a frameshift, which alters the protein?s amino acid sequence beginning at position 1368 and leads to a prematu re termination codon 6 amino acids downstream. This alteration is then predicted to lead to a truncated or absent protein. Heterozygous loss of function of func tion of the BRCA2 gene is an established disease mechanism in HBOC. In summary, this variant meets criteria to be classified as pathogenic for HBOC in an autoso mal dominant manner.

Literature cited by the submitters: PubMed 20104584 (cited by Labcorp Genetics (formerly Invitae), Labcorp); PubMed 30646163 (cited by Ambry Genetics).

NM_000059.4(BRCA2):c.4103del (p.Leu1368fs)

Gene: BRCA2 (BRCA2 DNA repair associated; plus strand). Cytogenetic location: 13q13.1.
Variant type: Deletion.
Coding change: c.4103del on transcript NM_000059.4 (MANE Select); coding-DNA position 4103, one base deleted (T; older notation c.4103delT).
Protein change: p.Leu1368fs; shifts the reading frame from leucine 1368.
Molecular consequence: frameshift variant.
Genome position (GRCh38, 1-based): chr13:32,338,458, T deleted; the last of 2 consecutive T bases (chr13:32,338,457-32,338,458); deleting either gives the same sequence. VCF-style (leftmost placement, unchanged base first): chr13-32338456-AT-A. GRCh37 (hg19) VCF-style: chr13-32912593-AT-A.
Other names: c.4103delT (NM_000059.3); short protein forms L1368fs.
Identifiers: ClinVar variation 440456 (VCV000440456.19), dbSNP rs1555283552, ClinGen allele CA645509345.